The following is an entry in ClinVar:

NM_001365999.1(SZT2):c.8848G>T (p.Ala2950Ser)

Gene: SZT2 (SZT2 subunit of KICSTOR complex; plus strand). Cytogenetic location: 1p34.2.
Variant type: single nucleotide variant.
Coding change: c.8848G>T on transcript NM_001365999.1 (MANE Select); coding-DNA position 8848, G replaced by T.
Protein change: p.Ala2950Ser; replaces alanine 2950 with serine.
Molecular consequence: missense variant.
Genome position (GRCh38, 1-based): chr1:43,445,916, G>T. VCF-style: chr1-43445916-G-T. GRCh37 (hg19) VCF-style: chr1-43911587-G-T.
Other names: c.8677G>T, p.Ala2893Ser (NM_015284.4); short protein forms A2893S, A2950S.
Identifiers: ClinVar variation 1514121 (VCV001514121.5), dbSNP rs149514994, ClinGen allele CA810722.

ClinVar aggregate classification (germline): Uncertain significance (1 of 4 stars; one submission).

Submission:

Labcorp Genetics (formerly Invitae), Labcorp
Classification: Uncertain significance. Last evaluated: 2022-09-01. Review status: criteria provided, single submitter. Criteria: Invitae Variant Classification Sherloc (09022015). Collection method: clinical testing. Allele origin: germline.
Comment: This sequence change replaces alanine, which is neutral and non-polar, with serine, which is neutral and polar, at codon 2893 of the SZT2 protein (p.Ala2893Ser). This variant is present in population databases (rs149514994, gnomAD 0.04%). This variant has not been reported in the literature in individuals affected with SZT2-related conditions. ClinVar contains an entry for this variant (Variation ID: 1514121). Algorithms developed to predict the effect of missense changes on protein structure and function (SIFT, PolyPhen-2, Align-GVGD) all suggest that this variant is likely to be tolerated. In summary, the available evidence is currently insufficient to determine the role of this variant in disease. Therefore, it has been classified as a Variant of Uncertain Significance.